The following is an entry in ClinVar:

ClinVar aggregate classification (germline): Uncertain significance. Review status: criteria provided, multiple submitters, no conflicts (2 of 4 stars). 3 submissions from 3 submitters: Uncertain significance (3). Last evaluated 2023-01-04.

Conditions:
Oculofaciocardiodental syndrome (MCOPS2). Identifiers: Orphanet 2712, MedGen C1846265, MONDO:0010261, OMIM 300166.
BCOR-related disorder. Also called: BCOR-related condition; BCOR-related disorders.

gnomAD v4.1: 1 of 1,212,062 alleles (0.000083%); no homozygotes.

Submissions (3):

PreventionGenetics, part of Exact Sciences
Classification: Uncertain significance for BCOR-related condition. Last evaluated: 2023-01-04. Review status: criteria provided, single submitter. Criteria: ACMG Guidelines, 2015. Collection method: clinical testing. Allele origin: germline.
Comment: The BCOR c.1723A>G variant is predicted to result in the amino acid substitution p.Asn575Asp. To our knowledge, this variant has not been reported in the literature or in a large population database, indicating this variant is rare. At this time, the clinical significance of this variant is uncertain due to the absence of conclusive functional and genetic evidence.

Blueprint Genetics
Classification: Uncertain significance. Last evaluated: 2022-11-28. Review status: criteria provided, single submitter. Criteria: ACMG Guidelines, 2015. Collection method: clinical testing. Allele origin: germline.

Labcorp Genetics (formerly Invitae), Labcorp
Classification: Uncertain significance for Oculofaciocardiodental syndrome. Last evaluated: 2022-09-06. Review status: criteria provided, single submitter. Criteria: Invitae Variant Classification Sherloc (09022015). Collection method: clinical testing. Allele origin: germline.
Comment: In summary, the available evidence is currently insufficient to determine the role of this variant in disease. Therefore, it has been classified as a Variant of Uncertain Significance. Algorithms developed to predict the effect of missense changes on protein structure and function are either unavailable or do not agree on the potential impact of this missense change (SIFT: "Deleterious"; PolyPhen-2: "Possibly Damaging"; Align-GVGD: "Class C15"). ClinVar contains an entry for this variant (Variation ID: 665498). This variant has not been reported in the literature in individuals affected with BCOR-related conditions. This variant is not present in population databases (gnomAD no frequency). This sequence change replaces asparagine, which is neutral and polar, with aspartic acid, which is acidic and polar, at codon 575 of the BCOR protein (p.Asn575Asp).

NM_001123385.2(BCOR):c.1723A>G (p.Asn575Asp)

Gene: BCOR (BCL6 corepressor; minus strand). Cytogenetic location: Xp11.4.
Variant type: single nucleotide variant.
Coding change: c.1723A>G on transcript NM_001123385.2 (MANE Select); coding-DNA position 1723, A replaced by G.
Protein change: p.Asn575Asp; replaces asparagine 575 with aspartic acid.
Molecular consequence: missense variant.
Genome position (GRCh38, 1-based): chrX:40,073,623, T>C on the plus strand (A>G on the coding strand, the complement: BCOR is on the minus strand). VCF-style: chrX-40073623-T-C. GRCh37 (hg19) VCF-style: chrX-39932876-T-C.
Other names: c.1723A>G, p.Asn575Asp (NM_001123383.2, NM_001123384.2, NM_017745.6); short protein forms N575D.
Identifiers: ClinVar variation 665498 (VCV000665498.10), dbSNP rs1602151728, ClinGen allele CA412744693.